The following is an entry in ClinVar:

ClinVar aggregate classification (germline): Uncertain significance (1 of 4 stars; one submission).

Conditions:
Generalized epilepsy with febrile seizures plus, type 7 (GEFSP7). Also called: GEFS+, TYPE 7. Identifiers: Orphanet 36387, MedGen C2751778, MONDO:0013470, OMIM 613863.
Neuropathy, hereditary sensory and autonomic, type 2A (HSAN2A). Also called: WNK1-Related HSAN2 (HSAN2A); MORVAN DISEASE; NEUROPATHY, CONGENITAL SENSORY; NEUROPATHY, HEREDITARY SENSORY RADICULAR, AUTOSOMAL RECESSIVE; NEUROPATHY, HEREDITARY SENSORY, TYPE IIA; NEUROPATHY, PROGRESSIVE SENSORY, OF CHILDREN. Identifiers: Orphanet 970, MedGen C2752089, MONDO:0024309, OMIM 201300.

Submission:

Labcorp Genetics (formerly Invitae), Labcorp
Classification: Uncertain significance for Neuropathy, hereditary sensory and autonomic, type 2A; Generalized epilepsy with febrile seizures plus, type 7. Last evaluated: 2021-02-11. Review status: criteria provided, single submitter. Criteria: Invitae Variant Classification Sherloc (09022015). Collection method: clinical testing. Allele origin: germline.
Comment: In summary, the available evidence is currently insufficient to determine the role of this variant in disease. Therefore, it has been classified as a Variant of Uncertain Significance. This variant has not been reported in the literature in individuals with SCN9A-related conditions. This variant is a gross deletion of the genomic region encompassing exon(s) 21-24 of the SCN9A gene. This variant would be expected to be in-frame, preserving the integrity of the reading frame.

NC_000002.11:g.(?_167083067)_(167089982_?)del

Gene: SCN9A (sodium voltage-gated channel alpha subunit 9; minus strand). Cytogenetic location: 2q24.3.
Variant type: Deletion.
Identifiers: ClinVar variation 1410714 (VCV001410714.6).